The following is an entry in ClinVar:

NM_020988.3(GNAO1):c.338G>A (p.Arg113Gln)

Gene: GNAO1 (G protein subunit alpha o1; plus strand). Cytogenetic location: 16q13.
Variant type: single nucleotide variant.
Coding change: c.338G>A on transcript NM_020988.3 (MANE Select); coding-DNA position 338, G replaced by A.
Protein change: p.Arg113Gln; replaces arginine 113 with glutamine.
Molecular consequence: missense variant.
Genome position (GRCh38, 1-based): chr16:56,328,665, G>A. VCF-style: chr16-56328665-G-A. GRCh37 (hg19) VCF-style: chr16-56362577-G-A.
Other names: c.338G>A, p.Arg113Gln (NM_138736.3); short protein forms R113Q.
Identifiers: ClinVar variation 530463 (VCV000530463.11), dbSNP rs956210011, ClinGen allele CA281422572.

ClinVar aggregate classification (germline): Benign/Likely benign. Review status: criteria provided, multiple submitters, no conflicts (2 of 4 stars). 2 submissions from 2 submitters: Benign (1); Likely benign (1). Last evaluated 2025-12-01.

Conditions:
Early-infantile DEE. Also called: Early infantile epileptic encephalopathy; Ohtahara syndrome; Early infantile epileptic encephalopathy with suppression bursts. Identifiers: Orphanet 1934, MedGen C0393706, MONDO:0800491.

Allele frequency attached by ClinVar (database versions not stated): gnomAD exomes below 0.00001; gnomAD 0.00001; TOPMed 0.00003.
gnomAD v4.1: 5 of 1,614,058 alleles (0.00031%); highest among the groups gnomAD compares: Non-Finnish European, 0.00034%; no homozygotes.

Submissions (2):

CeGaT Center for Human Genetics Tuebingen
Classification: Likely benign. Last evaluated: 2025-12-01. Review status: criteria provided, single submitter. Criteria: CeGaT Center For Human Genetics Tuebingen Variant Classification Criteria Version 2. Collection method: clinical testing. Allele origin: germline. Affected: yes. Observed: 1 variant allele.
Comment: GNAO1: BS2

Labcorp Genetics (formerly Invitae), Labcorp
Classification: Benign for Early-infantile DEE. Last evaluated: 2025-11-18. Review status: criteria provided, single submitter. Criteria: Invitae Variant Classification Sherloc (09022015). Collection method: clinical testing. Allele origin: germline.